The following is an entry in ClinVar:

ClinVar aggregate classification (germline): Uncertain significance. Review status: criteria provided, multiple submitters, no conflicts (2 of 4 stars). 2 submissions from 2 submitters: Uncertain significance (2). Last evaluated 2023-06-05.

Conditions:
Microcephaly, normal intelligence and immunodeficiency (NBS). Also called: BERLIN BREAKAGE SYNDROME; Immunodeficiency, microcephaly with normal intelligence; SEEMANOVA SYNDROME II; Ataxia telangiectasia variant V1; Nijmegen breakage syndrome; IMMUNODEFICIENCY, MICROCEPHALY, AND CHROMOSOMAL INSTABILITY. Identifiers: Orphanet 647, MedGen C0398791, MONDO:0009623, OMIM 251260.
Hereditary cancer-predisposing syndrome. Also called: Neoplastic Syndromes, Hereditary; Hereditary neoplastic syndrome; Hereditary Cancer Syndrome; Tumor predisposition. Identifiers: Orphanet 140162, MedGen C0027672, MeSH D009386, MONDO:0015356.

Allele frequency attached by ClinVar (database versions not stated): TOPMed below 0.00001.

Submissions (2):

Labcorp Genetics (formerly Invitae), Labcorp
Classification: Uncertain significance for Microcephaly, normal intelligence and immunodeficiency. Last evaluated: 2023-06-05. Review status: criteria provided, single submitter. Criteria: Invitae Variant Classification Sherloc (09022015). Collection method: clinical testing. Allele origin: germline.
Comment: In summary, the available evidence is currently insufficient to determine the role of this variant in disease. Therefore, it has been classified as a Variant of Uncertain Significance. Variants that disrupt the consensus splice site are a relatively common cause of aberrant splicing (PMID: 17576681, 9536098). Algorithms developed to predict the effect of sequence changes on RNA splicing suggest that this variant may disrupt the consensus splice site. ClinVar contains an entry for this variant (Variation ID: 659003). This variant has not been reported in the literature in individuals affected with NBN-related conditions. This variant is not present in population databases (gnomAD no frequency). This sequence change affects codon 728 of the NBN mRNA. It is a 'silent' change, meaning that it does not change the encoded amino acid sequence of the NBN protein. This variant also falls at the last nucleotide of exon 14, which is part of the consensus splice site for this exon.

Sema4
Classification: Uncertain significance for Hereditary cancer-predisposing syndrome. Last evaluated: 2021-11-04. Review status: criteria provided, single submitter. Criteria: Sema4 Curation Guidelines. Collection method: curation. Allele origin: germline.
Comment: The NBN c.2184G>A (p.E728=) variant has not been reported in the literature to our knowledge. This variant has not been observed in the large and broad cohorts of the Genome Aggregation Database (PMID: 32461654). This variant has been reported in ClinVar (Variation ID: 659003). This variant involves higly conserved last nucleotide of exon 14 of the NBN coding sequence. In silico tools suggest that the variant may have impact on RNA splicing, though these predictions have not been confirmed by functional studies. The evidence is insufficient to meet ACMG/AMP criteria for classifying the variant as benign or pathogenic. Thus, the clinical significance of this variant is currently uncertain.

Literature cited by the submitters: PubMed 17576681 (cited by Labcorp Genetics (formerly Invitae), Labcorp); PubMed 9536098 (cited by Labcorp Genetics (formerly Invitae), Labcorp).

NM_002485.5(NBN):c.2184G>A (p.Glu728=)

Gene: NBN (nibrin; minus strand). Cytogenetic location: 8q21.3.
Variant type: single nucleotide variant.
Coding change: c.2184G>A on transcript NM_002485.5 (MANE Select); coding-DNA position 2184, G replaced by A.
Protein change: p.Glu728=; no amino-acid change (glutamic acid 728 retained).
Molecular consequence: synonymous variant.
Genome position (GRCh38, 1-based): chr8:89,943,253, C>T on the plus strand (G>A on the coding strand, the complement: NBN is on the minus strand). VCF-style: chr8-89943253-C-T. GRCh37 (hg19) VCF-style: chr8-90955481-C-T.
Other names: c.1938G>A, p.Glu646= (NM_001024688.3).
Identifiers: ClinVar variation 659003 (VCV000659003.7), dbSNP rs1586034964, ClinGen allele CA461837485.